The following is an entry in ClinVar:

NM_000037.4(ANK1):c.1277G>A (p.Arg426Gln)

Gene: ANK1 (ankyrin 1; minus strand). Cytogenetic location: 8p11.21.
Variant type: single nucleotide variant.
Coding change: c.1277G>A on transcript NM_000037.4 (MANE Select); coding-DNA position 1277, G replaced by A.
Protein change: p.Arg426Gln; replaces arginine 426 with glutamine.
Molecular consequence: missense variant.
Genome position (GRCh38, 1-based): chr8:41,717,632, C>T on the plus strand (G>A on the coding strand, the complement: ANK1 is on the minus strand). VCF-style: chr8-41717632-C-T. GRCh37 (hg19) VCF-style: chr8-41575150-C-T.
Other names: c.1376G>A, p.Arg459Gln (NM_001142446.2); c.1277G>A, p.Arg426Gln (NM_020475.3, NM_020476.3, NM_020477.3); c.1277G>A (NM_000037.3); short protein forms R426Q, R459Q.
Identifiers: ClinVar variation 811818 (VCV000811818.13), dbSNP rs776721065, ClinGen allele CA4728672.

ClinVar aggregate classification (germline): Conflicting classifications of pathogenicity. Review status: criteria provided, conflicting classifications (1 of 4 stars). 4 submissions from 4 submitters: Uncertain significance (3); Likely benign (1). Last evaluated 2024-09-24.

Conditions:
Hereditary spherocytosis type 1. Also called: ANK1-Related Spherocytosis; Spherocytosis type 1. Identifiers: Orphanet 822, MedGen C2674218, MONDO:0008447, OMIM 182900.
Inborn genetic diseases. Identifiers: MedGen C0950123, MeSH D030342.

Allele frequency attached by ClinVar (database versions not stated): TOPMed 0.00005; 1000 Genomes Project 30x 0.00016.
gnomAD v4.1: 51 of 1,551,626 alleles (0.0033%); highest among the groups gnomAD compares: East Asian, 0.032%; no homozygotes.

Submissions (4):

Revvity Omics, Revvity
Classification: Likely benign for Hereditary spherocytosis type 1. Last evaluated: 2024-09-24. Review status: criteria provided, single submitter. Criteria: ACMG Guidelines, 2015. Collection method: clinical testing. Allele origin: germline.

Labcorp Genetics (formerly Invitae), Labcorp
Classification: Uncertain significance. Last evaluated: 2024-05-08. Review status: criteria provided, single submitter. Criteria: Invitae Variant Classification Sherloc (09022015). Collection method: clinical testing. Allele origin: germline.
Comment: This sequence change replaces arginine, which is basic and polar, with glutamine, which is neutral and polar, at codon 426 of the ANK1 protein (p.Arg426Gln). This variant is present in population databases (rs776721065, gnomAD 0.06%). This variant has not been reported in the literature in individuals affected with ANK1-related conditions. ClinVar contains an entry for this variant (Variation ID: 811818). Advanced modeling of protein sequence and biophysical properties (such as structural, functional, and spatial information, amino acid conservation, physicochemical variation, residue mobility, and thermodynamic stability) performed at Invitae indicates that this missense variant is not expected to disrupt ANK1 protein function with a negative predictive value of 80%. In summary, the available evidence is currently insufficient to determine the role of this variant in disease. Therefore, it has been classified as a Variant of Uncertain Significance.

Ambry Genetics
Classification: Uncertain significance for Inborn genetic diseases. Last evaluated: 2023-12-18. Review status: criteria provided, single submitter. Criteria: Ambry Variant Classification Scheme 2023. Collection method: clinical testing. Allele origin: germline.

ARUP Laboratories, Molecular Genetics and Genomics, ARUP Laboratories
Classification: Uncertain significance for Hereditary spherocytosis type 1. Last evaluated: 2018-11-15. Review status: criteria provided, single submitter. Criteria: ARUP Molecular Germline Variant Investigation Process. Collection method: clinical testing. Allele origin: germline.
Comment: The ANK1 c.1277G>A; p.Arg426Gln variant (rs776721065), to our knowledge, is not reported in the medical literature or gene specific databases. This variant is found in the general population with an overall allele frequency of 0.006% (9/156122 alleles, including no homozygotes) in the Genome Aggregation Database. The arginine at codon 426 is moderately conserved but computational analyses (SIFT, PolyPhen-2) predict that this variant is tolerated. Due to limited information, the clinical significance of this variant is uncertain at this time.